The following is an entry in ClinVar:

ClinVar aggregate classification (germline): Uncertain significance (1 of 4 stars; one submission).

Conditions:
Cowden syndrome (CS). Also called: Cowden's disease; Cowden's syndrome; Cowden disease. Identifiers: Orphanet 201, MedGen C0018553, MONDO:0016063. Disease mechanism: gain of function.

Submission:

Labcorp Genetics (formerly Invitae), Labcorp
Classification: Uncertain significance for Cowden syndrome. Last evaluated: 2025-08-11. Review status: criteria provided, single submitter. Criteria: Invitae Variant Classification Sherloc (09022015). Collection method: clinical testing. Allele origin: germline.
Comment: This sequence change replaces threonine, which is neutral and polar, with alanine, which is neutral and non-polar, at codon 876 of the PIK3CA protein (p.Thr876Ala). This variant is not present in population databases (gnomAD no frequency). This variant has not been reported in the literature in individuals affected with PIK3CA-related conditions. ClinVar contains an entry for this variant (Variation ID: 647816). Invitae Evidence Modeling of protein sequence and biophysical properties (such as structural, functional, and spatial information, amino acid conservation, physicochemical variation, residue mobility, and thermodynamic stability) indicates that this missense variant is not expected to disrupt PIK3CA protein function with a negative predictive value of 95%. In summary, the available evidence is currently insufficient to determine the role of this variant in disease. Therefore, it has been classified as a Variant of Uncertain Significance.

NM_006218.4(PIK3CA):c.2626A>G (p.Thr876Ala)

Gene: PIK3CA (phosphatidylinositol-4,5-bisphosphate 3-kinase catalytic subunit alpha; plus strand). Cytogenetic location: 3q26.32.
Variant type: single nucleotide variant.
Coding change: c.2626A>G on transcript NM_006218.4 (MANE Select); coding-DNA position 2626, A replaced by G.
Protein change: p.Thr876Ala; replaces threonine 876 with alanine.
Molecular consequence: missense variant.
Genome position (GRCh38, 1-based): chr3:179,229,402, A>G. VCF-style: chr3-179229402-A-G. GRCh37 (hg19) VCF-style: chr3-178947190-A-G.
Other names: c.2626A>G (LRG_310t1); short protein forms T876A.
Identifiers: ClinVar variation 647816 (VCV000647816.9), dbSNP rs1576947670, ClinGen allele CA355278722.